The following is an entry in ClinVar:

ClinVar aggregate classification (germline): Benign/Likely benign. Review status: criteria provided, multiple submitters, no conflicts (2 of 4 stars). 4 submissions from 4 submitters: Benign (1); Likely benign (3). Last evaluated 2025-08-13.

Conditions:
Hereditary cancer-predisposing syndrome. Also called: Tumor predisposition; Neoplastic Syndromes, Hereditary; Hereditary Cancer Syndrome; Hereditary neoplastic syndrome. Identifiers: Orphanet 140162, MedGen C0027672, MeSH D009386, MONDO:0015356.
Familial melanoma. Also called: Hereditary melanoma; Hereditary cutaneous melanoma. Identifiers: Orphanet 618, MedGen C1512419, MONDO:0018961.
Melanoma-pancreatic cancer syndrome. Identifiers: Orphanet 404560, MedGen C1838547, MONDO:0011713, OMIM 606719. Disease mechanism: loss of function.

gnomAD v4.1: 2 of 1,606,810 alleles (0.00012%); highest among the groups gnomAD compares: Non-Finnish European, 0.00017%; no homozygotes.

Submissions (4):

Myriad Genetics, Inc.
Classification: Benign for Melanoma-pancreatic cancer syndrome. Last evaluated: 2025-08-13. Review status: criteria provided, single submitter. Criteria: Myriad Autosomal Dominant, Autosomal Recessive and X-Linked Classification Criteria (2023). Collection method: clinical testing. Allele origin: unknown.
Comment: This variant is considered benign. This variant is a silent/synonymous amino acid change and it is not expected to impact splicing.

Labcorp Genetics (formerly Invitae), Labcorp
Classification: Likely benign for Familial melanoma. Last evaluated: 2024-04-24. Review status: criteria provided, single submitter. Criteria: Invitae Variant Classification Sherloc (09022015). Collection method: clinical testing. Allele origin: germline.

Ambry Genetics
Classification: Likely benign for Hereditary cancer-predisposing syndrome. Last evaluated: 2020-01-07. Review status: criteria provided, single submitter. Criteria: Ambry Variant Classification Scheme 2023. Collection method: clinical testing. Allele origin: germline.

Color Diagnostics, LLC DBA Color Health
Classification: Likely benign for Hereditary cancer-predisposing syndrome. Last evaluated: 2018-02-21. Review status: criteria provided, single submitter. Criteria: ACMG Guidelines, 2015. Collection method: clinical testing. Allele origin: germline.

NM_000077.5(CDKN2A):c.51C>T (p.Ala17=)

Gene: CDKN2A (cyclin dependent kinase inhibitor 2A; minus strand). Cytogenetic location: 9p21.3.
Variant type: single nucleotide variant.
Coding change: c.51C>T on transcript NM_000077.5; coding-DNA position 51, C replaced by T.
Protein change: p.Ala17=; no amino-acid change (alanine 17 retained).
Molecular consequence: synonymous variant (on NM_000077.6). On other transcripts: intron variant (2).
Genome position (GRCh38, 1-based): chr9:21,974,777, G>A on the plus strand (C>T on the coding strand, the complement: CDKN2A is on the minus strand). VCF-style: chr9-21974777-G-A. GRCh37 (hg19) VCF-style: chr9-21974776-G-A.
Other names: c.51C>T, p.Ala17= (NM_000077.6, NM_001195132.2, NM_058197.5); c.-3-3569C>T (NM_001363763.2); c.194-3569C>T (NM_058195.4).
Identifiers: ClinVar variation 631355 (VCV000631355.14), dbSNP rs764362225, ClinGen allele CA464100189.
Genomic context (GRCh38, chr9:21,974,777, plus strand): 5'-CAGCGCCCCCGCCTCCAGCAGCGCCCGCACCTCCTCTACCCGACCCCGGGCCGCGGCCGT[G>A]GCCAGCCAGTCAGCCGAAGGCTCCATGCTGCTCCCCGCCGCCGGCTCCATGCTGCTCCCC-3'
Protein context (NP_000068.1, residues 7-27): SSMEPSADWL[Ala17=]TAAARGRVEE